The following is an entry in ClinVar:

NM_001868.4(CPA1):c.341C>T (p.Thr114Ile)

Gene: CPA1 (carboxypeptidase A1; plus strand). Cytogenetic location: 7q32.2.
Variant type: single nucleotide variant.
Coding change: c.341C>T on transcript NM_001868.4 (MANE Select); coding-DNA position 341, C replaced by T.
Protein change: p.Thr114Ile; replaces threonine 114 with isoleucine.
Molecular consequence: missense variant.
Genome position (GRCh38, 1-based): chr7:130,381,823, C>T. VCF-style: chr7-130381823-C-T. GRCh37 (hg19) VCF-style: chr7-130021664-C-T.
Other names: c.341C>T (NM_001868.2); short protein forms T114I.
Identifiers: ClinVar variation 2956530 (VCV002956530.5), dbSNP rs1584850741, ClinGen allele CA369280416.

ClinVar aggregate classification (germline): Uncertain significance. Review status: criteria provided, multiple submitters, no conflicts (2 of 4 stars). 2 submissions from 2 submitters: Uncertain significance (2). Last evaluated 2025-12-03.

Conditions:
Hereditary pancreatitis (PCTT). Also called: Hereditary chronic pancreatitis; PRSS1-Related Hereditary Pancreatitis. Identifiers: Orphanet 676, MedGen C0238339, MONDO:0008185, OMIM 167800.

Allele frequency attached by ClinVar (database versions not stated): gnomAD exomes below 0.00001.

Submissions (2):

Ambry Genetics
Classification: Uncertain significance for Hereditary pancreatitis. Last evaluated: 2025-12-03. Review status: criteria provided, single submitter. Criteria: Ambry Variant Classification Scheme 2023. Collection method: clinical testing. Allele origin: germline.
Comment: The p.T114I variant (also known as c.341C>T), located in coding exon 3 of the CPA1 gene, results from a C to T substitution at nucleotide position 341. The threonine at codon 114 is replaced by isoleucine, an amino acid with similar properties. This amino acid position is conserved. In addition, this alteration is predicted to be tolerated by in silico analysis. Since supporting evidence is limited at this time, the clinical significance of this alteration remains unclear.

Labcorp Genetics (formerly Invitae), Labcorp
Classification: Uncertain significance. Last evaluated: 2023-10-24. Review status: criteria provided, single submitter. Criteria: Invitae Variant Classification Sherloc (09022015). Collection method: clinical testing. Allele origin: germline.
Comment: This sequence change replaces threonine, which is neutral and polar, with isoleucine, which is neutral and non-polar, at codon 114 of the CPA1 protein (p.Thr114Ile). This variant is not present in population databases (gnomAD no frequency). This variant has not been reported in the literature in individuals affected with CPA1-related conditions. An algorithm developed to predict the effect of missense changes on protein structure and function (PolyPhen-2) suggests that this variant is likely to be disruptive. In summary, the available evidence is currently insufficient to determine the role of this variant in disease. Therefore, it has been classified as a Variant of Uncertain Significance.